The following is an entry in ClinVar:

NM_001567.4(INPPL1):c.3394G>A (p.Glu1132Lys)

Gene: INPPL1 (inositol polyphosphate phosphatase like 1; plus strand). Cytogenetic location: 11q13.4.
Variant type: single nucleotide variant.
Coding change: c.3394G>A on transcript NM_001567.4 (MANE Select); coding-DNA position 3394, G replaced by A.
Protein change: p.Glu1132Lys; replaces glutamic acid 1132 with lysine.
Molecular consequence: missense variant.
Genome position (GRCh38, 1-based): chr11:72,237,638, G>A. VCF-style: chr11-72237638-G-A. GRCh37 (hg19) VCF-style: chr11-71948682-G-A.
Other names: short protein forms E1132K.
Identifiers: ClinVar variation 1391913 (VCV001391913.6), dbSNP rs575383574, ClinGen allele CA6170622.
Genomic context (GRCh38, chr11:72,237,638, plus strand): 5'-GAAGTGGCCAGTGGGGATGACCGGTCCTGCTCGGTGCTGCAGATGGCCAAGACGCTGAGC[G>A]AGGTGGACTATGCCCCTGCTGGGCCTGCACGCTCAGCGCTCCTCCCAGGCCCCCTGGAGC-3'
Protein context (NP_001558.3, residues 1122-1142): SVLQMAKTLS[Glu1132Lys]VDYAPAGPAR

ClinVar aggregate classification (germline): Uncertain significance (1 of 4 stars; one submission).

Allele frequency attached by ClinVar (database versions not stated): gnomAD 0.00002 and 0.00003; TOPMed 0.00003.

Submission:

Labcorp Genetics (formerly Invitae), Labcorp
Classification: Uncertain significance. Last evaluated: 2022-01-27. Review status: criteria provided, single submitter. Criteria: Invitae Variant Classification Sherloc (09022015). Collection method: clinical testing. Allele origin: germline.
Comment: In summary, the available evidence is currently insufficient to determine the role of this variant in disease. Therefore, it has been classified as a Variant of Uncertain Significance. Algorithms developed to predict the effect of missense changes on protein structure and function are either unavailable or do not agree on the potential impact of this missense change (SIFT: "Deleterious"; PolyPhen-2: "Benign"; Align-GVGD: "Class C0"). This variant has not been reported in the literature in individuals affected with INPPL1-related conditions. This variant is present in population databases (rs575383574, gnomAD 0.01%). This sequence change replaces glutamic acid, which is acidic and polar, with lysine, which is basic and polar, at codon 1132 of the INPPL1 protein (p.Glu1132Lys).